The following is an entry in ClinVar:

NM_001365480.1(CCDC88A):c.86C>T (p.Ala29Val)

Gene: CCDC88A (coiled-coil and HOOK domain protein 88A; minus strand). Cytogenetic location: 2p16.1.
Variant type: single nucleotide variant.
Coding change: c.86C>T on transcript NM_001365480.1 (MANE Select); coding-DNA position 86, C replaced by T.
Protein change: p.Ala29Val; replaces alanine 29 with valine.
Molecular consequence: missense variant.
Genome position (GRCh38, 1-based): chr2:55,418,894, G>A on the plus strand (C>T on the coding strand, the complement: CCDC88A is on the minus strand). VCF-style: chr2-55418894-G-A. GRCh37 (hg19) VCF-style: chr2-55646030-G-A.
Other names: c.86C>T, p.Ala29Val (NM_001135597.2, NM_001254943.2, NM_018084.5); short protein forms A29V.
Identifiers: ClinVar variation 2135457 (VCV002135457.4), dbSNP rs1018580750, ClinGen allele CA346913020.

ClinVar aggregate classification (germline): Uncertain significance (1 of 4 stars; one submission).

Submission:

Labcorp Genetics (formerly Invitae), Labcorp
Classification: Uncertain significance. Last evaluated: 2024-11-11. Review status: criteria provided, single submitter. Criteria: Invitae Variant Classification Sherloc (09022015). Collection method: clinical testing. Allele origin: germline.
Comment: This sequence change replaces alanine, which is neutral and non-polar, with valine, which is neutral and non-polar, at codon 29 of the CCDC88A protein (p.Ala29Val). This variant is not present in population databases (gnomAD no frequency). This variant has not been reported in the literature in individuals affected with CCDC88A-related conditions. ClinVar contains an entry for this variant (Variation ID: 2135457). An algorithm developed to predict the effect of missense changes on protein structure and function (PolyPhen-2) suggests that this variant is likely to be tolerated. In summary, the available evidence is currently insufficient to determine the role of this variant in disease. Therefore, it has been classified as a Variant of Uncertain Significance.